The following is an entry in ClinVar:

NM_152468.5(TMC8):c.1876C>T (p.His626Tyr)

Gene: TMC8 (transmembrane channel like 8; plus strand). Cytogenetic location: 17q25.3.
Variant type: single nucleotide variant.
Coding change: c.1876C>T on transcript NM_152468.5 (MANE Select); coding-DNA position 1876, C replaced by T.
Protein change: p.His626Tyr; replaces histidine 626 with tyrosine.
Molecular consequence: missense variant.
Genome position (GRCh38, 1-based): chr17:78,139,214, C>T. VCF-style: chr17-78139214-C-T. GRCh37 (hg19) VCF-style: chr17-76135295-C-T.
Other names: c.1876C>T (NM_152468.4); short protein forms H626Y.
Identifiers: ClinVar variation 1517746 (VCV001517746.6), dbSNP rs369436673, ClinGen allele CA8797070.

ClinVar aggregate classification (germline): Uncertain significance. Review status: criteria provided, multiple submitters, no conflicts (2 of 4 stars). 2 submissions from 2 submitters: Uncertain significance (2). Last evaluated 2023-02-28.

Conditions:
Inborn genetic diseases. Identifiers: MedGen C0950123, MeSH D030342.
Epidermodysplasia verruciformis. Identifiers: Orphanet 302, MedGen C0014522, MONDO:0009176.

Allele frequency attached by ClinVar (database versions not stated): TOPMed below 0.00001; ExAC 0.00002; gnomAD exomes 0.00002.

Submissions (2):

Ambry Genetics
Classification: Uncertain significance for Inborn genetic diseases. Last evaluated: 2023-02-28. Review status: criteria provided, single submitter. Criteria: Ambry Variant Classification Scheme 2023. Collection method: clinical testing. Allele origin: germline.

Labcorp Genetics (formerly Invitae), Labcorp
Classification: Uncertain significance for Epidermodysplasia verruciformis. Last evaluated: 2022-01-11. Review status: criteria provided, single submitter. Criteria: Invitae Variant Classification Sherloc (09022015). Collection method: clinical testing. Allele origin: germline.
Comment: This sequence change replaces histidine, which is basic and polar, with tyrosine, which is neutral and polar, at codon 626 of the TMC8 protein (p.His626Tyr). This variant is present in population databases (rs369436673, gnomAD 0.01%). This variant has not been reported in the literature in individuals affected with TMC8-related conditions. Algorithms developed to predict the effect of missense changes on protein structure and function (SIFT, PolyPhen-2, Align-GVGD) all suggest that this variant is likely to be tolerated. In summary, the available evidence is currently insufficient to determine the role of this variant in disease. Therefore, it has been classified as a Variant of Uncertain Significance.